The following is an entry in ClinVar:

NM_000317.3(PTS):c.347A>G (p.Asp116Gly)

Gene: PTS (6-pyruvoyltetrahydropterin synthase; plus strand). Cytogenetic location: 11q23.1.
Variant type: single nucleotide variant.
Coding change: c.347A>G on transcript NM_000317.3 (MANE Select); coding-DNA position 347, A replaced by G.
Protein change: p.Asp116Gly; replaces aspartic acid 116 with glycine.
Molecular consequence: missense variant.
Genome position (GRCh38, 1-based): chr11:112,233,464, A>G. VCF-style: chr11-112233464-A-G. GRCh37 (hg19) VCF-style: chr11-112104187-A-G.
Other names: short protein forms D116G.
Identifiers: ClinVar variation 483 (VCV000000483.13), dbSNP rs104894279, ClinGen allele CA114322.

ClinVar aggregate classification (germline): Conflicting classifications of pathogenicity. Review status: criteria provided, conflicting classifications (1 of 4 stars). 5 submissions from 5 submitters: Likely pathogenic (2); Uncertain significance (1). 2 of the submissions do not count toward it. Last evaluated 2025-07-31.

Conditions:
6-Pyruvoyl-tetrahydrobiopterin synthase deficiency. Also called: Hyperphenylalanemia, BH4-deficient, A; Hyperphenylalaninemia due to 6-pyruvoyl-tetrahydropterin synthase deficiency; BH4-deficient hyperphenylalaninemia A; PTS DEFICIENCY; HYPERPHENYLALANINEMIA, TETRAHYDROBIOPTERIN-DEFICIENT, DUE TO PTS DEFICIENCY; PTS-Related Tetrahydrobiopterin Deficiency. Identifiers: Orphanet 13, Orphanet 238583, MedGen C0878676, MONDO:0009863, OMIM 261640.
Hyperphenylalaninemia, bh4-deficient, a, due to partial pts deficiency. Identifiers: MedGen C4017280.

Allele frequency attached by ClinVar (database versions not stated): gnomAD 0.00001; gnomAD exomes below 0.00001; TOPMed below 0.00001.

Submissions (5):

Women's Health and Genetics/Laboratory Corporation of America, LabCorp
Classification: Uncertain significance. Last evaluated: 2025-07-31. Review status: criteria provided, single submitter. Criteria: LabCorp Variant Classification Summary - May 2015. Collection method: clinical testing. Allele origin: germline.
Comment: Variant summary: PTS c.347A>G (p.Asp116Gly) results in a non-conservative amino acid change in the encoded protein sequence. Algorithms developed to predict the effect of missense changes on protein structure and function all suggest that this variant is likely to be disruptive. The variant was absent in 250480 control chromosomes. The available data on variant occurrences in the general population are insufficient to allow any conclusion about variant significance. c.347A>G has been reported in the literature in the compound heterozygous state together with p.Asn47Asp in an individual affected with 6-Pyruvoyl-Tetrahydropterin Synthase Deficiency, resulting in transient hyperphenylalaninemia (Scherer-Oppliger_1999). These data do not allow any conclusion about variant significance. One publication reports experimental evidence evaluating an impact on protein function and found that the variant effect resulted in 66% activity compared to wild type (Scherer-Oppliger_1999). However, the variant also exhibited an additive effect when co-expressed with the wild type protein and was affected by the N47D variant in a dominant negative fashion. Thus, these findings do not allow convincing conclusions about the variant effect.The following publications have been ascertained in the context of this evaluation (PMID: 22237589, 10220141). ClinVar contains an entry for this variant (Variation ID: 483). Based on the evidence outlined above, the variant was classified as uncertain significance.

Labcorp Genetics (formerly Invitae), Labcorp
Classification: Likely pathogenic for 6-Pyruvoyl-tetrahydrobiopterin synthase deficiency. Last evaluated: 2023-12-15. Review status: criteria provided, single submitter. Criteria: Invitae Variant Classification Sherloc (09022015). Collection method: clinical testing. Allele origin: germline.
Comment: This sequence change replaces aspartic acid, which is acidic and polar, with glycine, which is neutral and non-polar, at codon 116 of the PTS protein (p.Asp116Gly). This variant is not present in population databases (gnomAD no frequency). This missense change has been observed in individual(s) with transient hyperphenylalaninemia (PMID: 10220141). In at least one individual the data is consistent with being in trans (on the opposite chromosome) from a pathogenic variant. ClinVar contains an entry for this variant (Variation ID: 483). An algorithm developed to predict the effect of missense changes on protein structure and function (PolyPhen-2) suggests that this variant is likely to be tolerated. Experimental studies have shown that this missense change affects PTS function (PMID: 10220141). Algorithms developed to predict the effect of sequence changes on RNA splicing suggest that this variant may disrupt the consensus splice site. In summary, the currently available evidence indicates that the variant is pathogenic, but additional data are needed to prove that conclusively. Therefore, this variant has been classified as Likely Pathogenic.

Genetic Services Laboratory, University of Chicago
Classification: Likely pathogenic for Hyperphenylalaninemia, BH4-deficient, A. Last evaluated: 2016-06-29. Review status: criteria provided, single submitter. Criteria: ACMG Guidelines, 2015. Collection method: clinical testing. Allele origin: germline. Affected: yes.

Counsyl
Classification: Uncertain significance for 6-Pyruvoyl-tetrahydrobiopterin synthase deficiency. Last evaluated: 2017-05-19. Review status: no assertion criteria provided. Collection method: clinical testing. Allele origin: unknown. Not counted in ClinVar's aggregate classification.

OMIM
Classification: Pathogenic for HYPERPHENYLALANINEMIA, BH4-DEFICIENT, A, DUE TO PARTIAL PTS DEFICIENCY. Last evaluated: 1999-01-01. Review status: no assertion criteria provided. Collection method: literature only. Allele origin: germline. Not counted in ClinVar's aggregate classification.

Literature cited by the submitters: PubMed 22237589 (cited by Women's Health and Genetics/Laboratory Corporation of America, LabCorp and Counsyl); PubMed 10220141 (cited by 4 submitters).